The following is an entry in ClinVar:

NM_004239.4(TRIP11):c.4812T>C (p.Asp1604=)

Gene: TRIP11 (thyroid hormone receptor interactor 11; minus strand). Cytogenetic location: 14q32.12.
Variant type: single nucleotide variant.
Coding change: c.4812T>C on transcript NM_004239.4 (MANE Select); coding-DNA position 4812, T replaced by C.
Protein change: p.Asp1604=; no amino-acid change (aspartic acid 1604 retained).
Molecular consequence: synonymous variant.
Genome position (GRCh38, 1-based): chr14:91,999,320, A>G on the plus strand (T>C on the coding strand, the complement: TRIP11 is on the minus strand). VCF-style: chr14-91999320-A-G. GRCh37 (hg19) VCF-style: chr14-92465664-A-G.
Other names: c.4809T>C, p.Asp1603= (NM_001321851.1).
Identifiers: ClinVar variation 314935 (VCV000314935.30), dbSNP rs17127837, ClinGen allele CA7313360.

ClinVar aggregate classification (germline): Benign. Review status: criteria provided, multiple submitters, no conflicts (2 of 4 stars). 7 submissions from 7 submitters: Benign (7). Last evaluated 2026-05-13.

Conditions:
Achondrogenesis, type IA (ACG1A). Identifiers: Orphanet 932, Orphanet 93299, MedGen C0265273, MONDO:0008701, OMIM 200600.
Connective tissue disorder. Also called: Connective tissue disease. Identifiers: MedGen C0009782, MONDO:0003900.

Allele frequency attached by ClinVar (database versions not stated): ESP Exome Variant Server 0.02691; gnomAD exomes 0.00582 and 0.00223; ExAC 0.00717; gnomAD 0.02284 and 0.02457; 1000 Genomes Project 0.02496; 1000 Genomes Project 30x 0.02873; TOPMed 0.02600.
gnomAD v4.1: 6,903 of 1,613,904 alleles (0.43%); highest among the groups gnomAD compares: African/African-American, 7.9%; 261 homozygotes.

Submissions (7):

Women's Health and Genetics/Laboratory Corporation of America, LabCorp
Classification: Benign. Last evaluated: 2026-05-13. Review status: criteria provided, single submitter. Criteria: LabCorp Variant Classification Summary - May 2015. Collection method: clinical testing. Allele origin: germline.

Labcorp Genetics (formerly Invitae), Labcorp
Classification: Benign for Achondrogenesis, type IA. Last evaluated: 2026-01-26. Review status: criteria provided, single submitter. Criteria: Invitae Variant Classification Sherloc (09022015). Collection method: clinical testing. Allele origin: germline.

ARUP Laboratories, Molecular Genetics and Genomics, ARUP Laboratories
Classification: Benign. Last evaluated: 2025-06-24. Review status: criteria provided, single submitter. Criteria: ARUP Molecular Germline Variant Investigation Process 2024. Collection method: clinical testing. Allele origin: germline.

Genome Diagnostics Laboratory, The Hospital for Sick Children
Classification: Benign for Connective tissue disorder. Last evaluated: 2022-02-10. Review status: criteria provided, single submitter. Criteria: ACMG Guidelines, 2015. Collection method: clinical testing. Allele origin: germline.

Illumina Laboratory Services, Illumina
Classification: Benign for Achondrogenesis, type IA. Last evaluated: 2018-01-13. Review status: criteria provided, single submitter. Criteria: ICSL Variant Classification Criteria 13 December 2019. Collection method: clinical testing. Allele origin: germline.
Comment: This variant was observed in the ICSL laboratory as part of a predisposition screen in an ostensibly healthy population. It had not been previously curated by ICSL or reported in the Human Gene Mutation Database (HGMD: prior to June 1st, 2018), and was therefore a candidate for classification through an automated scoring system. Utilizing variant allele frequency, disease prevalence and penetrance estimates, and inheritance mode, an automated score was calculated to assess if this variant is too frequent to cause the disease. Based on the score and internal cut-off values, a variant classified as benign is not then subjected to further curation. The score for this variant resulted in a classification of benign for this disease.

GeneDx
Classification: Benign. Last evaluated: 2017-01-16. Review status: criteria provided, single submitter. Criteria: GeneDx Variant Classification (06012015). Collection method: clinical testing. Allele origin: germline. Affected: yes.
Comment: This variant is considered likely benign or benign based on one or more of the following criteria: it is a conservative change, it occurs at a poorly conserved position in the protein, it is predicted to be benign by multiple in silico algorithms, and/or has population frequency not consistent with disease.

Breakthrough Genomics
Classification: Benign. Review status: criteria provided, single submitter. Criteria: ACMG Guidelines, 2015. Collection method: not provided. Allele origin: germline. Inheritance: Autosomal recessive inheritance. Affected: yes.